The following is an entry in ClinVar:

NM_000059.4(BRCA2):c.3227T>C (p.Val1076Ala)

Gene: BRCA2 (BRCA2 DNA repair associated; plus strand). Cytogenetic location: 13q13.1.
Variant type: single nucleotide variant.
Coding change: c.3227T>C on transcript NM_000059.4 (MANE Select); coding-DNA position 3227, T replaced by C.
Protein change: p.Val1076Ala; replaces valine 1076 with alanine.
Molecular consequence: missense variant.
Genome position (GRCh38, 1-based): chr13:32,337,582, T>C. VCF-style: chr13-32337582-T-C. GRCh37 (hg19) VCF-style: chr13-32911719-T-C.
Other names: short protein forms V1076A.
Identifiers: ClinVar variation 409609 (VCV000409609.33), dbSNP rs1060502498, ClinGen allele CA16614265.

ClinVar aggregate classification (germline): Conflicting classifications of pathogenicity. Review status: criteria provided, conflicting classifications (1 of 4 stars). 8 submissions from 8 submitters: Uncertain significance (4); Likely benign (3). 1 of the submissions does not count toward it. Last evaluated 2025-06-16.

Conditions:
Hereditary breast ovarian cancer syndrome. Also called: Hereditary breast and ovarian cancer syndrome; Hereditary breast and/or ovarian cancer syndrome; BRCA1- and BRCA2-Associated Hereditary Breast and Ovarian Cancer; Hereditary breast and ovarian cancer syndrome (HBOC); Hereditary breast and ovarian cancer; Breast and ovarian cancer. Identifiers: Orphanet 145, MedGen C0677776, MeSH D061325, MONDO:0003582. Disease mechanism: loss of function.
Hereditary cancer-predisposing syndrome. Also called: Hereditary neoplastic syndrome; Neoplastic Syndromes, Hereditary; Tumor predisposition; Hereditary Cancer Syndrome. Identifiers: Orphanet 140162, MedGen C0027672, MeSH D009386, MONDO:0015356.
Breast-ovarian cancer, familial, susceptibility to, 2 (BROVCA2). Also called: BRCA2 Hereditary Breast and Ovarian Cancer. Identifiers: Orphanet 145, MedGen C2675520, MONDO:0012933, OMIM 612555. Disease mechanism: loss of function.
Malignant tumor of breast. Also called: Cancer breast; Malignant breast neoplasm. Identifiers: MedGen C0006142, MONDO:0007254. Disease mechanism: loss of function.

Allele frequency attached by ClinVar (database versions not stated): gnomAD exomes below 0.00001 and 0.00001.
gnomAD v4.1: 4 of 1,598,396 alleles (0.00025%); highest among the groups gnomAD compares: East Asian, 0.009%; no homozygotes.

Submissions (8):

Labcorp Genetics (formerly Invitae), Labcorp
Classification: Uncertain significance for Hereditary breast ovarian cancer syndrome. Last evaluated: 2025-06-16. Review status: criteria provided, single submitter. Criteria: Invitae Variant Classification Sherloc (09022015). Collection method: clinical testing. Allele origin: germline.
Comment: This sequence change replaces valine, which is neutral and non-polar, with alanine, which is neutral and non-polar, at codon 1076 of the BRCA2 protein (p.Val1076Ala). This variant is present in population databases (no rsID available, gnomAD 0.02%). This missense change has been observed in individual(s) with breast cancer (PMID: 21318380). ClinVar contains an entry for this variant (Variation ID: 409609). Invitae Evidence Modeling of protein sequence and biophysical properties (such as structural, functional, and spatial information, amino acid conservation, physicochemical variation, residue mobility, and thermodynamic stability) indicates that this missense variant is not expected to disrupt BRCA2 protein function with a negative predictive value of 95%. In summary, the available evidence is currently insufficient to determine the role of this variant in disease. Therefore, it has been classified as a Variant of Uncertain Significance.

Myriad Genetics, Inc.
Classification: Likely benign for Breast-ovarian cancer, familial, susceptibility to, 2. Last evaluated: 2024-12-19. Review status: criteria provided, single submitter. Criteria: Myriad Autosomal Dominant, Autosomal Recessive and X-Linked Classification Criteria (2023). Collection method: clinical testing. Allele origin: unknown.
Comment: This variant is considered likely benign. This variant is strongly associated with less severe personal and family histories of cancer, typical for individuals without pathogenic variants in this gene [PMID: 25085752].

GeneDx
Classification: Uncertain significance. Last evaluated: 2023-11-21. Review status: criteria provided, single submitter. Criteria: GeneDx Variant Classification Process June 2021. Collection method: clinical testing. Allele origin: germline. Affected: yes.
Comment: Observed in individuals with a personal and family history of BRCA2-related cancers (PMID: 21318380); Not observed at significant frequency in large population cohorts (gnomAD); In silico analysis supports that this missense variant does not alter protein structure/function; Also known as 3455T>C; This variant is associated with the following publications: (PMID: 31131967, 29884841, 32377563, 21318380)

University of Washington Department of Laboratory Medicine, University of Washington
Classification: Likely benign for Hereditary cancer-predisposing syndrome. Last evaluated: 2023-03-23. Review status: criteria provided, single submitter. Criteria: Dines et al. (Genet Med. 2020). Collection method: curation. Allele origin: germline.
Comment: Missense variant in a coldspot region where missense variants are very unlikely to be pathogenic (PMID:31911673).

BRCA2 exon 11 coldspot. Reclassification based on statistical prior probability.

Ambry Genetics
Classification: Likely benign for Hereditary cancer-predisposing syndrome. Last evaluated: 2022-04-01. Review status: criteria provided, single submitter. Criteria: Ambry Variant Classification Scheme 2023. Collection method: clinical testing. Allele origin: germline.

Color Diagnostics, LLC DBA Color Health
Classification: Uncertain significance for Hereditary cancer-predisposing syndrome. Last evaluated: 2020-10-27. Review status: criteria provided, single submitter. Criteria: ACMG Guidelines, 2015. Collection method: clinical testing. Allele origin: germline.
Comment: This missense variant replaces valine with alanine at codon 1076 of the BRCA2 protein. Computational prediction suggests that this variant may not impact protein structure and function (internally defined REVEL score threshold <= 0.5, PMID: 27666373). To our knowledge, functional studies have not been reported for this variant. This variant has been reported in individuals affected with breast cancer (PMID: 21318380). This variant has been identified in 3/239916 chromosomes in the general population by the Genome Aggregation Database (gnomAD). The available evidence is insufficient to determine the role of this variant in disease conclusively. Therefore, this variant is classified as a Variant of Uncertain Significance.

Quest Diagnostics Nichols Institute San Juan Capistrano
Classification: Uncertain significance. Last evaluated: 2019-07-26. Review status: criteria provided, single submitter. Criteria: Quest Diagnostics criteria. Collection method: clinical testing. Allele origin: germline.

Department of Pathology and Laboratory Medicine, Sinai Health System
Classification: Uncertain significance for Malignant tumor of breast. Review status: no assertion criteria provided. Collection method: clinical testing. Allele origin: unknown. Affected: yes. Study: The Canadian Open Genetics Repository (COGR). Not counted in ClinVar's aggregate classification.
Comment: The BRCA2 p.Val1076Ala variant was identified in 2 of 2662 proband chromosomes (frequency: 0.0007) from individuals or families with breast cancer and was not identified in 360 control chromosomes from healthy individuals (Hansen 2011). The variant was also identified in dbSNP (ID: rs1060502498) as "With Uncertain significance allele", ClinVar (classified as uncertain significance by Invitae and Ambry Genetics), and in UMD-LSDB (1x as unclassified variant). The variant was not identified in the COGR, Cosmic, MutDB, LOVD 3.0, BIC Database, ARUP Laboratories, or Zhejiang University database. The variant was identified in control databases in 3 of 235040 chromosomes at a frequency of 0.00001 (Genome Aggregation Database Feb 27, 2017). The variant was observed in the East Asian population in 3 of 16788 chromosomes (freq: 0.000179), but not in the African, Other, Latino, European Non-Finnish, Ashkenazi Jewish, Finnish, and South Asian populations. The p.Val1076 residue is not conserved in mammals and computational analyses (PolyPhen-2, SIFT, AlignGVGD, BLOSUM, MutationTaster) do not suggest a high likelihood of impact to the protein; however, this information is not predictive enough to rule out pathogenicity. The variant occurs outside of the splicing consensus sequence and in silico or computational prediction software programs (SpliceSiteFinder, MaxEntScan, NNSPLICE, GeneSplicer) do not predict a difference in splicing. In summary, based on the above information the clinical significance of this variant cannot be determined with certainty at this time. This variant is classified as a variant of uncertain significance.

Literature cited by the submitters: PubMed 21318380 (cited by 3 submitters); PubMed 25085752 (cited by Myriad Genetics, Inc.).